The following is an entry in ClinVar:

ClinVar aggregate classification (germline): Uncertain significance (1 of 4 stars; one submission).

Allele frequency attached by ClinVar (database versions not stated): gnomAD exomes below 0.00001; TOPMed below 0.00001.
gnomAD v4.1: 2 of 1,614,170 alleles (0.00012%); highest among the groups gnomAD compares: Admixed American, 0.0017%; no homozygotes.

Submission:

GeneDx
Classification: Uncertain significance. Last evaluated: 2022-01-03. Review status: criteria provided, single submitter. Criteria: GeneDx Variant Classification Process June 2021. Collection method: clinical testing. Allele origin: germline. Affected: yes.
Comment: Not observed at significant frequency in large population cohorts (gnomAD); In silico analysis supports that this missense variant has a deleterious effect on protein structure/function; Has not been previously published as pathogenic or benign to our knowledge

NM_182961.4(SYNE1):c.10502T>C (p.Leu3501Pro)

Gene: SYNE1 (spectrin repeat containing nuclear envelope protein 1; minus strand). Cytogenetic location: 6q25.2.
Variant type: single nucleotide variant.
Coding change: c.10502T>C on transcript NM_182961.4 (MANE Select); coding-DNA position 10502, T replaced by C.
Protein change: p.Leu3501Pro; replaces leucine 3501 with proline.
Molecular consequence: missense variant.
Genome position (GRCh38, 1-based): chr6:152,358,479, A>G on the plus strand (T>C on the coding strand, the complement: SYNE1 is on the minus strand). VCF-style: chr6-152358479-A-G. GRCh37 (hg19) VCF-style: chr6-152679614-A-G.
Other names: c.10523T>C, p.Leu3508Pro (NM_033071.5); short protein forms L3501P, L3508P.
Identifiers: ClinVar variation 1693445 (VCV001693445.2), dbSNP rs1389585760, ClinGen allele CA366127957.